The following is an entry in ClinVar:

ClinVar aggregate classification (germline): Uncertain significance (1 of 4 stars; one submission).

Conditions:
Charcot-Marie-Tooth disease type 4. Also called: Charcot-Marie-Tooth disease, type IV; Charcot-Marie-Tooth, Type 4. Identifiers: Orphanet 64749, MedGen C4082197, MONDO:0018995.

Allele frequency attached by ClinVar (database versions not stated): gnomAD exomes below 0.00001 and 0.00001; gnomAD 0.00001.
gnomAD v4.1: 3 of 1,613,834 alleles (0.00019%); highest among the groups gnomAD compares: Non-Finnish European, 0.00025%; no homozygotes.

Submission:

Labcorp Genetics (formerly Invitae), Labcorp
Classification: Uncertain significance for Charcot-Marie-Tooth disease type 4. Last evaluated: 2020-03-03. Review status: criteria provided, single submitter. Criteria: Invitae Variant Classification Sherloc (09022015). Collection method: clinical testing. Allele origin: germline.
Comment: In summary, the available evidence is currently insufficient to determine the role of this variant in disease. Therefore, it has been classified as a Variant of Uncertain Significance. Algorithms developed to predict the effect of missense changes on protein structure and function output the following: SIFT: "Tolerated"; PolyPhen-2: "Possibly Damaging"; Align-GVGD: "Class C0". The histidine amino acid residue is found in multiple mammalian species, suggesting that this missense change does not adversely affect protein function. These predictions have not been confirmed by published functional studies and their clinical significance is uncertain. This variant has not been reported in the literature in individuals with MTMR2-related conditions. This variant is not present in population databases (ExAC no frequency). This sequence change replaces tyrosine with histidine at codon 438 of the MTMR2 protein (p.Tyr438His). The tyrosine residue is moderately conserved and there is a moderate physicochemical difference between tyrosine and histidine.

NM_016156.6(MTMR2):c.1312T>C (p.Tyr438His)

Gene: MTMR2 (myotubularin related protein 2; minus strand). Cytogenetic location: 11q21.
Variant type: single nucleotide variant.
Coding change: c.1312T>C on transcript NM_016156.6 (MANE Select); coding-DNA position 1312, T replaced by C.
Protein change: p.Tyr438His; replaces tyrosine 438 with histidine.
Molecular consequence: missense variant.
Genome position (GRCh38, 1-based): chr11:95,845,027, A>G on the plus strand (T>C on the coding strand, the complement: MTMR2 is on the minus strand). VCF-style: chr11-95845027-A-G. GRCh37 (hg19) VCF-style: chr11-95578191-A-G.
Other names: c.1096T>C, p.Tyr366His (NM_001243571.2, NM_201278.3, NM_201281.3); short protein forms Y366H, Y438H.
Identifiers: ClinVar variation 1061753 (VCV001061753.9), dbSNP rs1360581554, ClinGen allele CA382420843.
Genomic context (GRCh38, chr11:95,845,027, plus strand): 5'-GTCCAAAACTTAGCCATTCTTTCTCCACAAGGACTTCAAATCCTCGGATGGTTCGATAGT[A>G]TCCATCCAACATGAGCATGGCAAGGGAAGTGAGCTGAGCTGTGCGATCCCAACCATCACT-3'
Protein context (NP_057240.3, residues 428-448): TSLAMLMLDG[Tyr438His]YRTIRGFEVL